The following is an entry in ClinVar:

ClinVar aggregate classification (germline): Uncertain significance. Review status: criteria provided, multiple submitters, no conflicts (2 of 4 stars). 3 submissions from 3 submitters: Uncertain significance (2). 1 of the submissions does not count toward it. Last evaluated 2025-03-26.

Conditions:
Inborn genetic diseases. Identifiers: MedGen C0950123, MeSH D030342.
Hermansky-Pudlak syndrome 5 (HPS5). Identifiers: Orphanet 231512, Orphanet 79430, MedGen C3888004, MONDO:0013557, OMIM 614074.

Allele frequency attached by ClinVar (database versions not stated): gnomAD 0.00001; ExAC 0.00003; gnomAD exomes 0.00003 and 0.00005; TOPMed 0.00003.
gnomAD v4.1: 76 of 1,613,918 alleles (0.0047%); highest among the groups gnomAD compares: Non-Finnish European, 0.0064%; no homozygotes.

Submissions (3):

Ambry Genetics
Classification: Uncertain significance for Inborn genetic diseases. Last evaluated: 2025-03-26. Review status: criteria provided, single submitter. Criteria: Ambry Variant Classification Scheme 2023. Collection method: clinical testing. Allele origin: germline.

Labcorp Genetics (formerly Invitae), Labcorp
Classification: Uncertain significance. Last evaluated: 2023-07-12. Review status: criteria provided, single submitter. Criteria: Invitae Variant Classification Sherloc (09022015). Collection method: clinical testing. Allele origin: germline.
Comment: In summary, the available evidence is currently insufficient to determine the role of this variant in disease. Therefore, it has been classified as a Variant of Uncertain Significance. An algorithm developed to predict the effect of missense changes on protein structure and function (PolyPhen-2) suggests that this variant is likely to be disruptive. ClinVar contains an entry for this variant (Variation ID: 1684476). This sequence change replaces glycine, which is neutral and non-polar, with glutamic acid, which is acidic and polar, at codon 252 of the HPS5 protein (p.Gly252Glu). This variant is present in population databases (rs755846129, gnomAD 0.006%). This variant has not been reported in the literature in individuals affected with HPS5-related conditions.

ISTH-SSC Genomics in Thrombosis and Hemostasis, KU Leuven, Center for Molecular and Vascular Biology
Classification: Uncertain significance for Hermansky-Pudlak syndrome 5. Review status: no assertion criteria provided. Collection method: research. Allele origin: unknown. Affected: yes. Not counted in ClinVar's aggregate classification.
Comment: Submitted to GoldVariant by Dr Karyn Mégy from NIHR Bioresource - Cambridge University, UK

NM_181507.2(HPS5):c.755G>A (p.Gly252Glu)

Gene: HPS5 (HPS5 biogenesis of lysosomal organelles complex 2 subunit 2; minus strand). Cytogenetic location: 11p15.1.
Variant type: single nucleotide variant.
Coding change: c.755G>A on transcript NM_181507.2 (MANE Select); coding-DNA position 755, G replaced by A.
Protein change: p.Gly252Glu; replaces glycine 252 with glutamic acid.
Molecular consequence: missense variant.
Genome position (GRCh38, 1-based): chr11:18,306,204, C>T on the plus strand (G>A on the coding strand, the complement: HPS5 is on the minus strand). VCF-style: chr11-18306204-C-T. GRCh37 (hg19) VCF-style: chr11-18327751-C-T.
Other names: c.413G>A, p.Gly138Glu (NM_007216.4, NM_181508.2); short protein forms G138E, G252E.
Identifiers: ClinVar variation 1684476 (VCV001684476.3), dbSNP rs755846129, ClinGen allele CA5910354.